The following is an entry in ClinVar:

ClinVar aggregate classification (germline): Pathogenic. Review status: criteria provided, multiple submitters, no conflicts (2 of 4 stars). 5 submissions from 5 submitters: Pathogenic (3). 2 of the submissions do not count toward it. Last evaluated 2025-11-10.

Conditions:
Metachromatic leukodystrophy (MLD). Also called: ARSA DEFICIENCY; CEREBROSIDE SULFATASE DEFICIENCY; Cerebral sclerosis diffuse metachromatic form; Arylsulfatase A Deficiency; METACHROMATIC LEUKOENCEPHALOPATHY; SULFATIDE LIPIDOSIS. Identifiers: Orphanet 512, MedGen C0023522, MONDO:0018868, OMIM 250100.

Allele frequency attached by ClinVar (database versions not stated): gnomAD exomes below 0.00001; gnomAD 0.00001; TOPMed 0.00001; ExAC 0.00001.
gnomAD v4.1: 6 of 1,613,120 alleles (0.00037%); highest among the groups gnomAD compares: Non-Finnish European, 0.00051%; no homozygotes.

Submissions (5):

Dasa
Classification: Pathogenic. Last evaluated: 2025-11-10. Review status: criteria provided, single submitter. Criteria: DASA Assertion Criteria. Collection method: clinical testing. Allele origin: germline.
Comment: NM_000487.6(ARSA):c.608A>G (p.Tyr203Cys) is a missense variant that results in the substitution of tyrosine with cysteine. The affected residue or protein region has prior evidence supporting clinical relevance. Segregation evidence has been reported in affected families. This variant has been recurrently observed in affected individuals with related phenotype in a genotype context consistent with recessive disease (PMID: 7581401; PMID: 18786133; PMID: 37480112; PMID: 33046606; PMID: 26462614). Functional evidence supports a deleterious effect on the gene or gene product (PMID: 7581401; PMID: 18786133; PMID: 37480112; PMID: 33046606; PMID: 26462614). Multiple computational predictions support a deleterious effect on the gene or gene product. The variant is present at low frequency in population datasets. Based on the available data, this variant is classified as pathogenic.

Labcorp Genetics (formerly Invitae), Labcorp
Classification: Pathogenic for Metachromatic leukodystrophy. Last evaluated: 2025-01-17. Review status: criteria provided, single submitter. Criteria: Invitae Variant Classification Sherloc (09022015). Collection method: clinical testing. Allele origin: germline.
Comment: This sequence change replaces tyrosine, which is neutral and polar, with cysteine, which is neutral and slightly polar, at codon 203 of the ARSA protein (p.Tyr203Cys). This variant is present in population databases (rs199476345, gnomAD 0.007%). This missense change has been observed in individual(s) with metachromatic leukodystrophy (PMID: 7581401, 18786133). This variant is also known as Tyr201Cys or Y201C. ClinVar contains an entry for this variant (Variation ID: 68144). Invitae Evidence Modeling of protein sequence and biophysical properties (such as structural, functional, and spatial information, amino acid conservation, physicochemical variation, residue mobility, and thermodynamic stability) indicates that this missense variant is expected to disrupt ARSA protein function with a positive predictive value of 95%. Experimental studies have shown that this missense change affects ARSA function (PMID: 18786133). This variant disrupts the p.Tyr203 amino acid residue in ARSA. Other variant(s) that disrupt this residue have been determined to be pathogenic (PMID: 23559313, 31694723). This suggests that this residue is clinically significant, and that variants that disrupt this residue are likely to be disease-causing. For these reasons, this variant has been classified as Pathogenic.

Natera, Inc.
Classification: Pathogenic for Metachromatic leukodystrophy. Last evaluated: 2024-04-15. Review status: criteria provided, single submitter. Criteria: Natera Variant Classification Schema (03/2026). Collection method: clinical testing. Allele origin: germline.
Comment: The c.608A>G variant in ARSA is a missense variant predicted to cause substitution of tyrosine to cysteine at amino acid 203. This variant is rare in the general population with a frequency below the threshold expected for the associated phenotype(s). This variant has been observed in one or more individuals affected with the associated recessive disease, as either homozygous or compound heterozygous with a second variant (PMID: 33855715, 26462614, 16678723, 18786133). Additionally, this variant has been observed to segregate in affected family members (PMID: 16678723, 18786133). Computational prediction algorithms indicate this variant is likely to affect gene or protein function. Given the available evidence, this variant is classified as Pathogenic.

Counsyl
Classification: Likely pathogenic for Metachromatic leukodystrophy. Last evaluated: 2017-01-04. Review status: no assertion criteria provided. Collection method: clinical testing. Allele origin: unknown. Not counted in ClinVar's aggregate classification.

UniProtKB/Swiss-Prot
No classification provided. Review status: no classification provided. Collection method: not provided. Allele origin: not provided. Not counted in ClinVar's aggregate classification.

Literature cited by the submitters: PubMed 7581401 (cited by Dasa and Labcorp Genetics (formerly Invitae), Labcorp); PubMed 18786133 (cited by 4 submitters); PubMed 37480112 (cited by Dasa); PubMed 33046606 (cited by Dasa); PubMed 26462614 (cited by Dasa and Natera, Inc.); PubMed 23559313 (cited by Labcorp Genetics (formerly Invitae), Labcorp); PubMed 31694723 (cited by Labcorp Genetics (formerly Invitae), Labcorp); PubMed 33855715 (cited by Natera, Inc.); PubMed 16678723 (cited by Natera, Inc.); PubMed 15720392 (cited by Counsyl); PubMed 10751093 (cited by Counsyl).

NM_000487.6(ARSA):c.608A>G (p.Tyr203Cys)

Gene: ARSA (arylsulfatase A; minus strand). Cytogenetic location: 22q13.33.
Variant type: single nucleotide variant.
Coding change: c.608A>G on transcript NM_000487.6 (MANE Select); coding-DNA position 608, A replaced by G.
Protein change: p.Tyr203Cys; replaces tyrosine 203 with cysteine.
Molecular consequence: missense variant.
Genome position (GRCh38, 1-based): chr22:50,626,910, T>C on the plus strand (A>G on the coding strand, the complement: ARSA is on the minus strand). VCF-style: chr22-50626910-T-C. GRCh37 (hg19) VCF-style: chr22-51065338-T-C.
Other names: c.608A>G, p.Tyr203Cys (NM_001085425.3, NM_001085426.3, NM_001085427.3); c.350A>G, p.Tyr117Cys (NM_001085428.3, NM_001362782.2); short protein forms Y203C, Y117C.
Identifiers: ClinVar variation 68144 (VCV000068144.9), dbSNP rs199476345, ClinGen allele CA219044.